The following is an entry in ClinVar:

ClinVar aggregate classification (germline): Benign/Likely benign. Review status: criteria provided, multiple submitters, no conflicts (2 of 4 stars). 8 submissions from 8 submitters: Benign (3); Likely benign (3). 2 of the submissions do not count toward it. Last evaluated 2026-02-01.

Conditions:
Retinitis pigmentosa (RP). Identifiers: Orphanet 791, MedGen C0035334, MeSH D012174, MONDO:0019200, OMIM 268000. Inheritance: Autosomal dominant, autosomal recessive and X linked inheritance.

Allele frequency attached by ClinVar (database versions not stated): 1000 Genomes Project 0.00100; 1000 Genomes Project 30x 0.00109; gnomAD exomes 0.00357; TOPMed 0.00381; ESP Exome Variant Server 0.00394; gnomAD 0.00403 and 0.00421; ExAC 0.00666.
gnomAD v4.1: 9,916 of 1,602,306 alleles (0.62%); highest among the groups gnomAD compares: Non-Finnish European, 0.77%; 41 homozygotes.

Submissions (8):

Labcorp Genetics (formerly Invitae), Labcorp
Classification: Benign. Last evaluated: 2026-02-01. Review status: criteria provided, single submitter. Criteria: Invitae Variant Classification Sherloc (09022015). Collection method: clinical testing. Allele origin: germline.

CeGaT Center for Human Genetics Tuebingen
Classification: Likely benign. Last evaluated: 2025-11-01. Review status: criteria provided, single submitter. Criteria: CeGaT Center For Human Genetics Tuebingen Variant Classification Criteria Version 2. Collection method: clinical testing. Allele origin: germline. Affected: yes. Observed: 10 variant alleles.
Comment: NRL: BP4, BP7, BS2

Blueprint Genetics
Classification: Likely benign. Last evaluated: 2024-11-27. Review status: criteria provided, single submitter. Criteria: ACMG Guidelines, 2015. Collection method: clinical testing. Allele origin: germline.

ARUP Laboratories, Molecular Genetics and Genomics, ARUP Laboratories
Classification: Benign. Last evaluated: 2023-11-11. Review status: criteria provided, single submitter. Criteria: ARUP Molecular Germline Variant Investigation Process 2024. Collection method: clinical testing. Allele origin: germline.

Illumina Laboratory Services, Illumina
Classification: Benign for Retinitis pigmentosa. Last evaluated: 2018-01-13. Review status: criteria provided, single submitter. Criteria: ICSL Variant Classification Criteria 13 December 2019. Collection method: clinical testing. Allele origin: germline.
Comment: This variant was observed in the ICSL laboratory as part of a predisposition screen in an ostensibly healthy population. It had not been previously curated by ICSL or reported in the Human Gene Mutation Database (HGMD: prior to June 1st, 2018), and was therefore a candidate for classification through an automated scoring system. Utilizing variant allele frequency, disease prevalence and penetrance estimates, and inheritance mode, an automated score was calculated to assess if this variant is too frequent to cause the disease. Based on the score and internal cut-off values, a variant classified as benign is not then subjected to further curation. The score for this variant resulted in a classification of benign for this disease.

Breakthrough Genomics
Classification: Likely benign. Review status: criteria provided, single submitter. Criteria: ACMG Guidelines, 2015. Collection method: not provided. Allele origin: germline. Inheritance: Autosomal dominant inheritance. Affected: yes.

Clinical Genetics DNA and cytogenetics Diagnostics Lab, Erasmus MC, Erasmus Medical Center
Classification: Likely benign. Review status: no assertion criteria provided. Collection method: clinical testing. Allele origin: germline. Affected: yes. Study: VKGL Data-share Consensus. Not counted in ClinVar's aggregate classification.

Clinical Genetics, Academic Medical Center
Classification: Benign. Review status: no assertion criteria provided. Collection method: clinical testing. Allele origin: germline. Affected: yes. Study: VKGL Data-share Consensus. Not counted in ClinVar's aggregate classification.

NM_001354768.3(NRL):c.441G>A (p.Arg147=)

Gene: NRL (neural retina leucine zipper; minus strand). Cytogenetic location: 14q11.2.
Variant type: single nucleotide variant.
Coding change: c.441G>A on transcript NM_001354768.3 (MANE Select); coding-DNA position 441, G replaced by A.
Protein change: p.Arg147=; no amino-acid change (arginine 147 retained).
Molecular consequence: synonymous variant.
Genome position (GRCh38, 1-based): chr14:24,081,509, C>T on the plus strand (G>A on the coding strand, the complement: NRL is on the minus strand). VCF-style: chr14-24081509-C-T. GRCh37 (hg19) VCF-style: chr14-24550718-C-T.
Other names: c.441G>A, p.Arg147= (NM_001354769.1, NM_006177.5); c.126G>A, p.Arg42= (NM_001354770.2).
Identifiers: ClinVar variation 312941 (VCV000312941.60), dbSNP rs201197984, ClinGen allele CA7122833.
Genomic context (GRCh38, chr14:24,081,509, plus strand): 5'-CAGCGTGCGGCGCCTCTGCTTCAGCCGCAGCGCCTCGTCGCGCCCGCAGCCCCGCAGCTG[C>T]CGGTTTAGCTCCCGCACAGACATCGAGACCAGCGCCGCGTCGGAAAACCGCTCTGCCAGC-3'
Protein context (NP_001341697.1, residues 137-157): LVSMSVRELN[Arg147=]QLRGCGRDEA